The following is an entry in ClinVar:

ClinVar aggregate classification (germline): Uncertain significance (1 of 4 stars; one submission).

Conditions:
Fanconi anemia (FA). Also called: Fanconi's anemia. Identifiers: Orphanet 84, MedGen C0015625, MeSH D005199, MONDO:0019391.

Allele frequency attached by ClinVar (database versions not stated): TOPMed below 0.00001; gnomAD 0.00001.
gnomAD v4.1: 1 of 1,612,428 alleles (0.000062%); highest among the groups gnomAD compares: Non-Finnish European, 0.000085%; no homozygotes.

Submission:

Labcorp Genetics (formerly Invitae), Labcorp
Classification: Uncertain significance for Fanconi anemia. Last evaluated: 2021-01-16. Review status: criteria provided, single submitter. Criteria: Invitae Variant Classification Sherloc (09022015). Collection method: clinical testing. Allele origin: germline.
Comment: In summary, the available evidence is currently insufficient to determine the role of this variant in disease. Therefore, it has been classified as a Variant of Uncertain Significance. Algorithms developed to predict the effect of missense changes on protein structure and function (SIFT, PolyPhen-2, Align-GVGD) all suggest that this variant is likely to be tolerated, but these predictions have not been confirmed by published functional studies and their clinical significance is uncertain. This variant has not been reported in the literature in individuals with FANCM-related conditions. This variant is not present in population databases (ExAC no frequency). This sequence change replaces proline with leucine at codon 275 of the FANCM protein (p.Pro275Leu). The proline residue is moderately conserved and there is a moderate physicochemical difference between proline and leucine.

NM_020937.4(FANCM):c.824C>T (p.Pro275Leu)

Gene: FANCM (FA complementation group M; plus strand). Cytogenetic location: 14q21.2.
Variant type: single nucleotide variant.
Coding change: c.824C>T on transcript NM_020937.4 (MANE Select); coding-DNA position 824, C replaced by T.
Protein change: p.Pro275Leu; replaces proline 275 with leucine.
Molecular consequence: missense variant.
Genome position (GRCh38, 1-based): chr14:45,148,901, C>T. VCF-style: chr14-45148901-C-T. GRCh37 (hg19) VCF-style: chr14-45618104-C-T.
Other names: c.746C>T, p.Pro249Leu (NM_001308133.2); c.824C>T, p.Pro275Leu (NM_001308134.2); short protein forms P249L, P275L.
Identifiers: ClinVar variation 1517959 (VCV001517959.8), dbSNP rs1436183493, ClinGen allele CA389589904.